The following is an entry in ClinVar:

NM_004082.5(DCTN1):c.1009A>G (p.Thr337Ala)

Gene: DCTN1 (dynactin subunit 1; minus strand). Cytogenetic location: 2p13.1.
Variant type: single nucleotide variant.
Coding change: c.1009A>G on transcript NM_004082.5 (MANE Select); coding-DNA position 1009, A replaced by G.
Protein change: p.Thr337Ala; replaces threonine 337 with alanine.
Molecular consequence: missense variant. On other transcripts: non-coding transcript variant (1).
Genome position (GRCh38, 1-based): chr2:74,370,660, T>C on the plus strand (A>G on the coding strand, the complement: DCTN1 is on the minus strand). VCF-style: chr2-74370660-T-C. GRCh37 (hg19) VCF-style: chr2-74597787-T-C.
Other names: c.607A>G, p.Thr203Ala (NM_001135041.3, NM_023019.4); c.898A>G, p.Thr300Ala (NM_001190836.2); c.988A>G, p.Thr330Ala (NM_001190837.2); c.958A>G, p.Thr320Ala (NM_001378991.1); c.940A>G, p.Thr314Ala (NM_001378992.1); c.949A>G, p.Thr317Ala (NM_001135040.3); short protein forms T330A, T203A, T317A, T337A, T300A, T320A, T314A.
Identifiers: ClinVar variation 1515735 (VCV001515735.6), dbSNP rs2103659798, ClinGen allele CA347364077.

ClinVar aggregate classification (germline): Uncertain significance (1 of 4 stars; one submission).

Conditions:
Amyotrophic lateral sclerosis type 1 (ALS1). Also called: AMYOTROPHIC LATERAL SCLEROSIS 1, FAMILIAL. Identifiers: Orphanet 803, MedGen C1862939, MONDO:0007103, OMIM 105400.
Perry syndrome. Also called: PARKINSONISM WITH ALVEOLAR HYPOVENTILATION AND MENTAL DEPRESSION. Identifiers: Orphanet 178509, MedGen C1868594, MONDO:0008201, OMIM 168605.
Neuronopathy, distal hereditary motor, type 7B. Also called: Distal Hereditary Motor Neuronopathy Type 7B (dHMN7B); HMN VIIB; LOWER MOTOR NEURON DISEASE, DYNACTIN TYPE; NEURONOPATHY, DISTAL HEREDITARY MOTOR, AUTOSOMAL DOMINANT 14; NEURONOPATHY, DISTAL HEREDITARY MOTOR, HARDING TYPE VIIB; NEUROPATHY, DISTAL HEREDITARY MOTOR, HARDING TYPE VIIB. Identifiers: Orphanet 139589, MedGen C1843315, MONDO:0011879, OMIM 607641.

Allele frequency attached by ClinVar (database versions not stated): gnomAD exomes 0.00001.
gnomAD v4.1: 3 of 1,614,170 alleles (0.00019%); highest among the groups gnomAD compares: Non-Finnish European, 0.00025%; no homozygotes.

Submission:

Labcorp Genetics (formerly Invitae), Labcorp
Classification: Uncertain significance for Amyotrophic lateral sclerosis type 1; Neuronopathy, distal hereditary motor, type 7B; Perry syndrome. Last evaluated: 2021-11-04. Review status: criteria provided, single submitter. Criteria: Invitae Variant Classification Sherloc (09022015). Collection method: clinical testing. Allele origin: germline.
Comment: In summary, the available evidence is currently insufficient to determine the role of this variant in disease. Therefore, it has been classified as a Variant of Uncertain Significance. Algorithms developed to predict the effect of missense changes on protein structure and function are either unavailable or do not agree on the potential impact of this missense change (SIFT: "Deleterious"; PolyPhen-2: "Benign"; Align-GVGD: "Class C55"). This variant has not been reported in the literature in individuals affected with DCTN1-related conditions. This variant is not present in population databases (gnomAD no frequency). This sequence change replaces threonine, which is neutral and polar, with alanine, which is neutral and non-polar, at codon 337 of the DCTN1 protein (p.Thr337Ala).